The following is an entry in ClinVar:

NM_001267550.2(TTN):c.96731del (p.Ala32244fs)

Genes: TTN (titin; minus strand), TTN-AS1 (TTN antisense RNA 1; plus strand), LOC126806421 (CDK7 strongly-dependent group 2 enhancer GRCh37_chr2:179407630-179408829; plus strand). Cytogenetic location: 2q31.2.
Variant type: Deletion.
Coding change: c.96731del on transcript NM_001267550.2 (MANE Select); coding-DNA position 96731, one base deleted (C; older notation c.96731delC).
Protein change: p.Ala32244fs; shifts the reading frame from alanine 32244.
Molecular consequence: frameshift variant.
Genome position (GRCh38, 1-based): chr2:178,543,242, G deleted on the plus strand (C on the coding strand, the reverse complement: TTN is on the minus strand). VCF-style (leftmost placement, unchanged base first): chr2-178543241-AG-A. GRCh37 (hg19) VCF-style: chr2-179407968-AG-A.
Other names: c.91808del, p.Ala30603fs (NM_001256850.1); c.69536del, p.Ala23179fs (NM_003319.4); c.89027del, p.Ala29676fs (NM_133378.4); c.69911del, p.Ala23304fs (NM_133432.3); c.70112del, p.Ala23371fs (NM_133437.4); short protein forms A23304fs, A29676fs, A30603fs, A23179fs, A23371fs, A32244fs.
Identifiers: ClinVar variation 1521122 (VCV001521122.8), dbSNP rs2154143380, ClinGen allele CA2573134087.

ClinVar aggregate classification (germline): Likely pathogenic (1 of 4 stars; one submission).

Conditions:
Dilated cardiomyopathy 1G (CMD1G). Identifiers: Orphanet 154, MedGen C1858763, MONDO:0011400, OMIM 604145.
Autosomal recessive limb-girdle muscular dystrophy type 2J (LGMDR10). Also called: Limb-girdle muscular dystrophy, type 2J; MUSCULAR DYSTROPHY, LIMB-GIRDLE, AUTOSOMAL RECESSIVE 10. Identifiers: Orphanet 140922, MedGen C1837342, MONDO:0012127, OMIM 608807.

Submission:

Labcorp Genetics (formerly Invitae), Labcorp
Classification: Likely pathogenic for Dilated cardiomyopathy 1G; Autosomal recessive limb-girdle muscular dystrophy type 2J. Last evaluated: 2022-12-24. Review status: criteria provided, single submitter. Criteria: Invitae Variant Classification Sherloc (09022015). Collection method: clinical testing. Allele origin: germline.
Comment: This sequence change creates a premature translational stop signal (p.Ala32244Valfs*7) in the TTN gene. While this is not anticipated to result in nonsense mediated decay, it is expected to create a truncated TTN protein. This variant is not present in population databases (gnomAD no frequency). In summary, the currently available evidence indicates that the variant is pathogenic, but additional data are needed to prove that conclusively. Therefore, this variant has been classified as Likely Pathogenic. This variant is located in the A band of TTN (PMID: 25589632). Truncating variants in this region are significantly overrepresented in patients affected with dilated cardiomyopathy (PMID: 25589632). Truncating variants in this region have also been reported in individuals affected with autosomal recessive centronuclear myopathy (PMID: 23975875). ClinVar contains an entry for this variant (Variation ID: 1521122). This variant has not been reported in the literature in individuals affected with TTN-related conditions.

Literature cited by the submitters: PubMed 25589632; PubMed 23975875.